The following is an entry in ClinVar:

NM_005458.8(GABBR2):c.240C>A (p.Ala80=)

Gene: GABBR2 (gamma-aminobutyric acid type B receptor subunit 2; minus strand). Cytogenetic location: 9q22.33.
Variant type: single nucleotide variant.
Coding change: c.240C>A on transcript NM_005458.8 (MANE Select); coding-DNA position 240, C replaced by A.
Protein change: p.Ala80=; no amino-acid change (alanine 80 retained).
Molecular consequence: synonymous variant.
Genome position (GRCh38, 1-based): chr9:98,708,498, G>T on the plus strand (C>A on the coding strand, the complement: GABBR2 is on the minus strand). VCF-style: chr9-98708498-G-T. GRCh37 (hg19) VCF-style: chr9-101470780-G-T.
Identifiers: ClinVar variation 2431984 (VCV002431984.27), dbSNP rs753673862, ClinGen allele CA466646849.

ClinVar aggregate classification (germline): Conflicting classifications of pathogenicity. Review status: criteria provided, conflicting classifications (1 of 4 stars). 2 submissions from 2 submitters: Uncertain significance (1); Likely benign (1). Last evaluated 2023-01-01.

Submissions (2):

CeGaT Center for Human Genetics Tuebingen
Classification: Likely benign. Last evaluated: 2023-01-01. Review status: criteria provided, single submitter. Criteria: CeGaT Center For Human Genetics Tuebingen Variant Classification Criteria Version 2. Collection method: clinical testing. Allele origin: germline. Affected: yes. Observed: 1 variant allele.
Comment: GABBR2: PM2:Supporting, BP4, BP7

Revvity Omics, Revvity
Classification: Uncertain significance. Last evaluated: 2020-07-31. Review status: criteria provided, single submitter. Criteria: ACMG Guidelines, 2015. Collection method: clinical testing. Allele origin: germline.